The following is an entry in ClinVar:

NM_000426.4(LAMA2):c.113-1G>T

Gene: LAMA2 (laminin subunit alpha 2; plus strand). Cytogenetic location: 6q22.33.
Variant type: single nucleotide variant.
Coding change: c.113-1G>T on transcript NM_000426.4 (MANE Select); the canonical splice acceptor site of the intron before coding-DNA position 113, G replaced by T.
Molecular consequence: splice acceptor variant.
Genome position (GRCh38, 1-based): chr6:129,049,917, G>T. VCF-style: chr6-129049917-G-T. GRCh37 (hg19) VCF-style: chr6-129371062-G-T.
Other names: c.113-1G>T (NM_001079823.2).
Identifiers: ClinVar variation 3067713 (VCV003067713.21), dbSNP rs2482237317, ClinGen allele CA365828391.

ClinVar aggregate classification (germline): Likely pathogenic (1 of 4 stars; one submission).

Submission:

CeGaT Center for Human Genetics Tuebingen
Classification: Likely pathogenic. Last evaluated: 2024-03-01. Review status: criteria provided, single submitter. Criteria: CeGaT Center For Human Genetics Tuebingen Variant Classification Criteria Version 2. Collection method: clinical testing. Allele origin: germline. Affected: yes. Observed: 1 variant allele.
Comment: LAMA2: PVS1:Strong, PM2